The following is an entry in ClinVar:

ClinVar aggregate classification (germline): Likely benign. Review status: criteria provided, multiple submitters, no conflicts (2 of 4 stars). 2 submissions from 2 submitters: Likely benign (2). Last evaluated 2025-12-05.

Conditions:
Diffuse cerebral and cerebellar atrophy - intractable seizures - progressive microcephaly syndrome. Also called: Microcephaly, progressive, with seizures and cerebral and cerebellar atrophy. Identifiers: Orphanet 404437, MedGen C4014239, MONDO:0014335, OMIM 615760.

Allele frequency attached by ClinVar (database versions not stated): gnomAD exomes 0.00001 and 0.00002; ExAC 0.00002; gnomAD 0.00004; 1000 Genomes Project 30x 0.00016; TOPMed 0.00017; 1000 Genomes Project 0.00020.
gnomAD v4.1: 32 of 1,614,258 alleles (0.002%); highest among the groups gnomAD compares: Admixed American, 0.022%; no homozygotes.

Submissions (2):

Labcorp Genetics (formerly Invitae), Labcorp
Classification: Likely benign for Diffuse cerebral and cerebellar atrophy - intractable seizures - progressive microcephaly syndrome. Last evaluated: 2025-12-05. Review status: criteria provided, single submitter. Criteria: Invitae Variant Classification Sherloc (09022015). Collection method: clinical testing. Allele origin: germline.

GeneDx
Classification: Likely benign. Last evaluated: 2018-01-02. Review status: criteria provided, single submitter. Criteria: GeneDx Variant Classification (06012015). Collection method: clinical testing. Allele origin: germline. Affected: yes.
Comment: This variant is considered likely benign or benign based on one or more of the following criteria: it is a conservative change, it occurs at a poorly conserved position in the protein, it is predicted to be benign by multiple in silico algorithms, and/or has population frequency not consistent with disease.

NM_005051.3(QARS1):c.1122C>T (p.Pro374=)

Gene: QARS1 (glutaminyl-tRNA synthetase 1; minus strand). Cytogenetic location: 3p21.31.
Variant type: single nucleotide variant.
Coding change: c.1122C>T on transcript NM_005051.3 (MANE Select); coding-DNA position 1122, C replaced by T.
Protein change: p.Pro374=; no amino-acid change (proline 374 retained).
Molecular consequence: synonymous variant. On other transcripts: non-coding transcript variant (1).
Genome position (GRCh38, 1-based): chr3:49,100,232, G>A on the plus strand (C>T on the coding strand, the complement: QARS1 is on the minus strand). VCF-style: chr3-49100232-G-A. GRCh37 (hg19) VCF-style: chr3-49137665-G-A.
Other names: c.1089C>T, p.Pro363= (NM_001272073.2).
Identifiers: ClinVar variation 506456 (VCV000506456.8), dbSNP rs572025824, ClinGen allele CA2391881.